The following is an entry in ClinVar:

ClinVar aggregate classification (germline): Pathogenic (1 of 4 stars; one submission).

Conditions:
Citrin deficiency. Identifiers: Orphanet 247582, MedGen C1997910, MONDO:0016602.

Submission:

Labcorp Genetics (formerly Invitae), Labcorp
Classification: Pathogenic for Citrin deficiency. Last evaluated: 2020-09-17. Review status: criteria provided, single submitter. Criteria: Invitae Variant Classification Sherloc (09022015). Collection method: clinical testing. Allele origin: germline.
Comment: For these reasons, this variant has been classified as Pathogenic. Loss-of-function variants in SLC25A13 are known to be pathogenic (PMID: 10369257, 14680984, 27405544). This variant has not been reported in the literature in individuals with SLC25A13-related conditions. This variant is not present in population databases (ExAC no frequency). This sequence change creates a premature translational stop signal (p.Thr265Hisfs*11) in the SLC25A13 gene. It is expected to result in an absent or disrupted protein product.

Literature cited by the submitters: PubMed 10369257; PubMed 14680984; PubMed 27405544.

NM_014251.3(SLC25A13):c.792del (p.Thr265fs)

Gene: SLC25A13 (solute carrier family 25 member 13; minus strand). Cytogenetic location: 7q21.3.
Variant type: Deletion.
Coding change: c.792del on transcript NM_014251.3 (MANE Select); coding-DNA position 792, one base deleted (T; older notation c.792delT).
Protein change: p.Thr265fs; shifts the reading frame from threonine 265.
Molecular consequence: frameshift variant. On other transcripts: non-coding transcript variant (1).
Genome position (GRCh38, 1-based): chr7:96,189,637, A deleted on the plus strand (T on the coding strand, the reverse complement: SLC25A13 is on the minus strand); the first of 2 consecutive A bases (chr7:96,189,637-96,189,638); deleting either gives the same sequence. VCF-style (leftmost placement, unchanged base first): chr7-96189636-TA-T. GRCh37 (hg19) VCF-style: chr7-95818948-TA-T.
Other names: c.792del, p.Thr265fs (NM_001160210.2); short protein forms T265fs.
Identifiers: ClinVar variation 1073569 (VCV001073569.7), dbSNP rs2116650029, ClinGen allele CA2499219085.